The following is an entry in ClinVar:

NM_000492.4(CFTR):c.3722G>A (p.Gly1241Asp)

Genes: CFTR (CF transmembrane conductance regulator; plus strand), CFTR-AS2 (CFTR antisense RNA 2; minus strand). Cytogenetic location: 7q31.2.
Variant type: single nucleotide variant.
Coding change: c.3722G>A on transcript NM_000492.4 (MANE Select); coding-DNA position 3722, G replaced by A.
Protein change: p.Gly1241Asp; replaces glycine 1241 with aspartic acid.
Molecular consequence: missense variant.
Genome position (GRCh38, 1-based): chr7:117,642,442, G>A. VCF-style: chr7-117642442-G-A. GRCh37 (hg19) VCF-style: chr7-117282496-G-A.
Other names: short protein forms G1241D.
Identifiers: ClinVar variation 1734308 (VCV001734308.6), dbSNP rs1191342069, ClinGen allele CA368974417.

ClinVar aggregate classification (germline): Uncertain significance. Review status: criteria provided, multiple submitters, no conflicts (2 of 4 stars). 2 submissions from 2 submitters: Uncertain significance (2). Last evaluated 2025-05-19.

Conditions:
Cystic fibrosis (CF). Also called: MUCOVISCIDOSIS. Identifiers: Orphanet 586, MedGen C0010674, MONDO:0009061, OMIM 219700. Disease mechanism: loss of function.

Allele frequency attached by ClinVar (database versions not stated): gnomAD 0.00001; TOPMed 0.00003.
gnomAD v4.1: 3 of 1,613,304 alleles (0.00019%); highest among the groups gnomAD compares: Admixed American, 0.0033%; no homozygotes.

Submissions (2):

Ambry Genetics
Classification: Uncertain significance for Cystic fibrosis. Last evaluated: 2025-05-19. Review status: criteria provided, single submitter. Criteria: Ambry Variant Classification Scheme 2023. Collection method: clinical testing. Allele origin: germline.
Comment: The p.G1241D variant (also known as c.3722G>A), located in coding exon 23 of the CFTR gene, results from a G to A substitution at nucleotide position 3722. The glycine at codon 1241 is replaced by aspartic acid, an amino acid with similar properties. This amino acid position is highly conserved in available vertebrate species. In addition, this alteration is predicted to be deleterious by in silico analysis. Since supporting evidence is limited at this time, the clinical significance of this alteration remains unclear.

Labcorp Genetics (formerly Invitae), Labcorp
Classification: Uncertain significance for Cystic fibrosis. Last evaluated: 2022-10-04. Review status: criteria provided, single submitter. Criteria: Invitae Variant Classification Sherloc (09022015). Collection method: clinical testing. Allele origin: germline.
Comment: This sequence change replaces glycine, which is neutral and non-polar, with aspartic acid, which is acidic and polar, at codon 1241 of the CFTR protein (p.Gly1241Asp). This variant is present in population databases (no rsID available, gnomAD 0.003%). This variant has not been reported in the literature in individuals affected with CFTR-related conditions. Advanced modeling of protein sequence and biophysical properties (such as structural, functional, and spatial information, amino acid conservation, physicochemical variation, residue mobility, and thermodynamic stability) performed at Invitae indicates that this missense variant is expected to disrupt CFTR protein function. In summary, the available evidence is currently insufficient to determine the role of this variant in disease. Therefore, it has been classified as a Variant of Uncertain Significance.